The following is an entry in ClinVar:

ClinVar aggregate classification (germline): Uncertain significance (1 of 4 stars; one submission).

Submission:

Dasa
Classification: Uncertain significance. Last evaluated: 2026-02-03. Review status: criteria provided, single submitter. Criteria: DASA Assertion Criteria. Collection method: clinical testing. Allele origin: germline.
Comment: NM_001385012.1(NBEA):c.7379T>C (p.Val2460Ala) is a missense variant that results in the substitution of valine with alanine. This variant is rare in population databases. Computational prediction algorithms are consistent with a benign effect. The currently available literature and clinical evidence are not sufficient to establish a definitive association between this variant and the reported condition. Therefore, this variant is classified as a variant of uncertain significance.

NM_001385012.1(NBEA):c.7379T>C (p.Val2460Ala)

Gene: NBEA (neurobeachin; plus strand). Cytogenetic location: 13q13.3.
Variant type: single nucleotide variant.
Coding change: c.7379T>C on transcript NM_001385012.1 (MANE Select); coding-DNA position 7379, T replaced by C.
Protein change: p.Val2460Ala; replaces valine 2460 with alanine.
Molecular consequence: missense variant.
Genome position (GRCh38, 1-based): chr13:35,606,508, T>C. VCF-style: chr13-35606508-T-C. GRCh37 (hg19) VCF-style: chr13-36180645-T-C.
Other names: c.758T>C, p.Val253Ala (NM_001204197.3); c.7370T>C, p.Val2457Ala (NM_001379245.1); c.7379T>C, p.Val2460Ala (NM_015678.5); short protein forms V2457A, V2460A, V253A.
Identifiers: ClinVar variation 4882930 (VCV004882930.2).